The following is an entry in ClinVar:

NM_002069.6(GNAI1):c.878C>G (p.Ser293Ter)

Gene: GNAI1 (G protein subunit alpha i1; plus strand). Cytogenetic location: 7q21.11.
Variant type: single nucleotide variant.
Coding change: c.878C>G on transcript NM_002069.6 (MANE Select); coding-DNA position 878, C replaced by G.
Protein change: p.Ser293Ter; replaces serine 293 with a stop codon.
Molecular consequence: nonsense.
Genome position (GRCh38, 1-based): chr7:80,217,306, C>G. VCF-style: chr7-80217306-C-G. GRCh37 (hg19) VCF-style: chr7-79846622-C-G.
Other names: c.722C>G, p.Ser241Ter (NM_001256414.2); short protein forms S241*, S293*.
Identifiers: ClinVar variation 1703888 (VCV001703888.2), dbSNP rs2484470204, ClinGen allele CA368010976.

ClinVar aggregate classification (germline): Uncertain significance (1 of 4 stars; one submission).

Submission:

GeneDx
Classification: Uncertain significance. Last evaluated: 2022-02-28. Review status: criteria provided, single submitter. Criteria: GeneDx Variant Classification Process June 2021. Collection method: clinical testing. Allele origin: germline. Affected: yes.
Comment: Not observed at significant frequency in large population cohorts (gnomAD); Nonsense variant predicted to result in protein truncation in a gene for which loss-of-function is not a known mechanism of disease; Has not been previously published as pathogenic or benign to our knowledge